The following is an entry in ClinVar:

NM_007254.4(PNKP):c.1255G>A (p.Val419Ile)

Gene: PNKP (polynucleotide kinase 3'-phosphatase; minus strand). Cytogenetic location: 19q13.33.
Variant type: single nucleotide variant.
Coding change: c.1255G>A on transcript NM_007254.4 (MANE Select); coding-DNA position 1255, G replaced by A.
Protein change: p.Val419Ile; replaces valine 419 with isoleucine.
Molecular consequence: missense variant.
Genome position (GRCh38, 1-based): chr19:49,861,815, C>T on the plus strand (G>A on the coding strand, the complement: PNKP is on the minus strand). VCF-style: chr19-49861815-C-T. GRCh37 (hg19) VCF-style: chr19-50365072-C-T.
Other names: p.V419I:GTC>ATC; short protein forms V419I.
Identifiers: ClinVar variation 206407 (VCV000206407.16), dbSNP rs756416098, ClinGen allele CA316491.

ClinVar aggregate classification (germline): Uncertain significance. Review status: criteria provided, multiple submitters, no conflicts (2 of 4 stars). 4 submissions from 4 submitters: Uncertain significance (4). Last evaluated 2026-10-05.

Conditions:
Inborn genetic diseases. Identifiers: MedGen C0950123, MeSH D030342.
Developmental and epileptic encephalopathy, 12 (DEE12). Identifiers: MedGen C3150988, MONDO:0013389, OMIM 613722.

Allele frequency attached by ClinVar (database versions not stated): gnomAD 0.00001; ExAC 0.00003; gnomAD exomes 0.00003 and 0.00004; TOPMed 0.00002.
gnomAD v4.1: 48 of 1,585,194 alleles (0.003%); highest among the groups gnomAD compares: Admixed American, 0.0072%; no homozygotes.

Submissions (4):

GeneDx
Classification: Uncertain significance. Last evaluated: 2026-10-05. Review status: criteria provided, single submitter. Criteria: GeneDx Variant Classification Process June 2021. Collection method: clinical testing. Allele origin: germline.
Comment: Not observed at significant frequency in large population cohorts (gnomAD); In silico analysis suggests that this missense variant does not alter protein structure/function; Has not been previously published as pathogenic or benign to our knowledge; This variant is associated with the following publications: (PMID: 22508754)

Labcorp Genetics (formerly Invitae), Labcorp
Classification: Uncertain significance for Developmental and epileptic encephalopathy, 12. Last evaluated: 2025-11-24. Review status: criteria provided, single submitter. Criteria: Invitae Variant Classification Sherloc (09022015). Collection method: clinical testing. Allele origin: germline.
Comment: This sequence change replaces valine, which is neutral and non-polar, with isoleucine, which is neutral and non-polar, at codon 419 of the PNKP protein (p.Val419Ile). This variant is present in population databases (rs756416098, gnomAD 0.007%). This variant has not been reported in the literature in individuals affected with PNKP-related conditions. ClinVar contains an entry for this variant (Variation ID: 206407). Invitae Evidence Modeling of protein sequence and biophysical properties (such as structural, functional, and spatial information, amino acid conservation, physicochemical variation, residue mobility, and thermodynamic stability) indicates that this missense variant is not expected to disrupt PNKP protein function with a negative predictive value of 80%. In summary, the available evidence is currently insufficient to determine the role of this variant in disease. Therefore, it has been classified as a Variant of Uncertain Significance.

Ambry Genetics
Classification: Uncertain significance for Inborn genetic diseases. Last evaluated: 2025-01-26. Review status: criteria provided, single submitter. Criteria: Ambry Variant Classification Scheme 2023. Collection method: clinical testing. Allele origin: germline.

Breakthrough Genomics
Classification: Uncertain significance. Review status: criteria provided, single submitter. Criteria: ACMG Guidelines, 2015. Collection method: not provided. Allele origin: germline. Inheritance: Autosomal dominant inheritance. Affected: yes.